The following is an entry in ClinVar:

NM_005045.4(RELN):c.2476G>T (p.Val826Leu)

Gene: RELN (reelin; minus strand). Cytogenetic location: 7q22.1.
Variant type: single nucleotide variant.
Coding change: c.2476G>T on transcript NM_005045.4 (MANE Select); coding-DNA position 2476, G replaced by T.
Protein change: p.Val826Leu; replaces valine 826 with leucine.
Molecular consequence: missense variant.
Genome position (GRCh38, 1-based): chr7:103,630,166, C>A on the plus strand (G>T on the coding strand, the complement: RELN is on the minus strand). VCF-style: chr7-103630166-C-A. GRCh37 (hg19) VCF-style: chr7-103270613-C-A.
Other names: c.2476G>T, p.Val826Leu (NM_173054.3); short protein forms V826L.
Identifiers: ClinVar variation 2928242 (VCV002928242.4), dbSNP rs369844245, ClinGen allele CA163921984.

ClinVar aggregate classification (germline): Uncertain significance. Review status: criteria provided, multiple submitters, no conflicts (2 of 4 stars). 2 submissions from 2 submitters: Uncertain significance (2). Last evaluated 2024-01-29.

Conditions:
Familial temporal lobe epilepsy 7. Identifiers: Orphanet 101046, MedGen C4225327, MONDO:0014639, OMIM 616436.
Norman-Roberts syndrome (LIS2). Also called: Lissencephaly 2 (Norman-Roberts type). Identifiers: Orphanet 89844, MedGen C0796089, MONDO:0009760, OMIM 257320.

Allele frequency attached by ClinVar (database versions not stated): ESP Exome Variant Server 0.00008.
gnomAD v4.1: 1 of 1,601,670 alleles (0.000062%); highest among the groups gnomAD compares: Non-Finnish European, 0.000085%; no homozygotes.

Submissions (2):

Labcorp Genetics (formerly Invitae), Labcorp
Classification: Uncertain significance for Familial temporal lobe epilepsy 7; Norman-Roberts syndrome. Last evaluated: 2024-01-29. Review status: criteria provided, single submitter. Criteria: Invitae Variant Classification Sherloc (09022015). Collection method: clinical testing. Allele origin: germline.
Comment: This sequence change replaces valine, which is neutral and non-polar, with leucine, which is neutral and non-polar, at codon 826 of the RELN protein (p.Val826Leu). This variant is not present in population databases (gnomAD no frequency). This variant has not been reported in the literature in individuals affected with RELN-related conditions. Advanced modeling of protein sequence and biophysical properties (such as structural, functional, and spatial information, amino acid conservation, physicochemical variation, residue mobility, and thermodynamic stability) performed at Invitae indicates that this missense variant is not expected to disrupt RELN protein function with a negative predictive value of 80%. In summary, the available evidence is currently insufficient to determine the role of this variant in disease. Therefore, it has been classified as a Variant of Uncertain Significance.

Blueprint Genetics
Classification: Uncertain significance. Last evaluated: 2022-12-09. Review status: criteria provided, single submitter. Criteria: ACMG Guidelines, 2015. Collection method: clinical testing. Allele origin: germline.